The following is an entry in ClinVar:

NM_005529.7(HSPG2):c.*430G>A

Genes: HSPG2 (heparan sulfate proteoglycan 2; minus strand), LDLRAD2 (low density lipoprotein receptor class A domain containing 2; plus strand). Cytogenetic location: 1p36.12.
Variant type: single nucleotide variant.
Coding change: c.*430G>A on transcript NM_005529.7 (MANE Select); 430 bases downstream of the stop codon, G replaced by A.
Molecular consequence: 3 prime UTR variant.
Genome position (GRCh38, 1-based): chr1:21,822,886, C>T on the plus strand (G>A on the coding strand, the complement: HSPG2 is on the minus strand). VCF-style: chr1-21822886-C-T. GRCh37 (hg19) VCF-style: chr1-22149379-C-T.
Other names: c.*430G>A (NM_001291860.2); c.*671C>T (NM_001013693.3).
Identifiers: ClinVar variation 875396 (VCV000875396.5), dbSNP rs141025054, ClinGen allele CA19144876.

ClinVar aggregate classification (germline): Benign. Review status: criteria provided, multiple submitters, no conflicts (2 of 4 stars). 3 submissions from 2 submitters: Benign (3). Last evaluated 2018-01-13.

Conditions:
Schwartz-Jampel syndrome. Also called: Myotonic myopathy dwarfism chondrodystrophy and ocular and facial abnormalities. Identifiers: Orphanet 800, MedGen C0036391, MONDO:0009717.
Lethal Kniest-like syndrome (DDSH). Also called: Dyssegmental Dysplasia. Identifiers: Orphanet 1865, MedGen C1857100, MONDO:0009140, OMIM 224410.

Allele frequency attached by ClinVar (database versions not stated): gnomAD exomes 0.00068; gnomAD 0.00872 and 0.00933; 1000 Genomes Project 0.00978; TOPMed 0.01043; 1000 Genomes Project 30x 0.01093.

Submissions (3):

Illumina Laboratory Services, Illumina
Classification: Benign for Schwartz-Jampel syndrome type 1. Last evaluated: 2018-01-13. Review status: criteria provided, single submitter. Criteria: ICSL Variant Classification Criteria 13 December 2019. Collection method: clinical testing. Allele origin: germline.
Comment: This variant was observed in the ICSL laboratory as part of a predisposition screen in an ostensibly healthy population. It had not been previously curated by ICSL or reported in the Human Gene Mutation Database (HGMD: prior to June 1st, 2018), and was therefore a candidate for classification through an automated scoring system. Utilizing variant allele frequency, disease prevalence and penetrance estimates, and inheritance mode, an automated score was calculated to assess if this variant is too frequent to cause the disease. Based on the score and internal cut-off values, a variant classified as benign is not then subjected to further curation. The score for this variant resulted in a classification of benign for this disease.

Illumina Laboratory Services, Illumina
Classification: Benign for Lethal Kniest-like syndrome. Last evaluated: 2018-01-13. Review status: criteria provided, single submitter. Criteria: ICSL Variant Classification Criteria 13 December 2019. Collection method: clinical testing. Allele origin: germline.
Comment: the same text as in the submission from Illumina Laboratory Services, Illumina above.

Breakthrough Genomics
Classification: Benign. Review status: criteria provided, single submitter. Criteria: ACMG Guidelines, 2015. Collection method: not provided. Allele origin: germline. Inheritance: Autosomal recessive inheritance. Affected: yes.